The following is an entry in ClinVar:

NM_001145026.2(PTPRQ):c.5113G>A (p.Val1705Ile)

Gene: PTPRQ (protein tyrosine phosphatase receptor type Q; plus strand). Cytogenetic location: 12q21.31.
Variant type: single nucleotide variant.
Coding change: c.5113G>A on transcript NM_001145026.2 (MANE Select); coding-DNA position 5113, G replaced by A.
Protein change: p.Val1705Ile; replaces valine 1705 with isoleucine.
Molecular consequence: missense variant.
Genome position (GRCh38, 1-based): chr12:80,613,786, G>A. VCF-style: chr12-80613786-G-A. GRCh37 (hg19) VCF-style: chr12-81007565-G-A.
Other names: short protein forms V1705I.
Identifiers: ClinVar variation 3358534 (VCV003358534.1).

ClinVar aggregate classification (germline): Likely benign (0 of 4 stars; one submission).

Conditions:
PTPRQ-related disorder. Also called: PTPRQ-related condition.

gnomAD v4.1: 284 of 1,541,524 alleles (0.018%); highest among the groups gnomAD compares: South Asian, 0.32%; 3 homozygotes.

Submission:

PreventionGenetics, part of Exact Sciences
Classification: Likely benign for PTPRQ-related condition. Last evaluated: 2024-08-21. Review status: no assertion criteria provided. Collection method: clinical testing. Allele origin: germline.
Comment: This variant is classified as likely benign based on ACMG/AMP sequence variant interpretation guidelines (Richards et al. 2015 PMID: 25741868, with internal and published modifications).